The following is an entry in ClinVar:

ClinVar aggregate classification (germline): Pathogenic (1 of 4 stars; one submission).

Conditions:
DICER1-related tumor predisposition. Also called: DICER1-related pleuropulmonary blastoma cancer predisposition syndrome; DICER1 syndrome. Identifiers: Orphanet 284343, MedGen C3839822, MONDO:0100216.

Submission:

Foulkes Cancer Genetics LDI, Lady Davis Institute for Medical Research
Classification: Pathogenic for Pleuropulmonary blastoma. Last evaluated: 2019-07-01. Review status: criteria provided, single submitter. Criteria: ACMG Guidelines, 2015. Collection method: curation. Allele origin: somatic. Affected: yes. Observed: 1 variant allele.
Comment: ACMG criteria met: PVS1, PM2, PM7

Literature cited by the submitters: PubMed 30266945.

NM_177438.3(DICER1):c.3281del (p.Asn1093_Leu1094insTer)

Gene: DICER1 (dicer 1, ribonuclease III; minus strand). Cytogenetic location: 14q32.13.
Variant type: Deletion.
Coding change: c.3281del on transcript NM_177438.3 (MANE Select); coding-DNA position 3281, one base deleted (T; older notation c.3281delT).
Protein change: p.Asn1093_Leu1094insTer.
Molecular consequence: nonsense.
Genome position (GRCh38, 1-based): chr14:95,104,115, A deleted on the plus strand (T on the coding strand, the reverse complement: DICER1 is on the minus strand); the first of 2 consecutive A bases (chr14:95,104,115-95,104,116); deleting either gives the same sequence. VCF-style (leftmost placement, unchanged base first): chr14-95104114-TA-T. GRCh37 (hg19) VCF-style: chr14-95570451-TA-T.
Other names: c.3281del, p.Asn1093_Leu1094insTer (NM_001195573.1, NM_001271282.3, NM_001291628.2 and 1 more transcripts).
Identifiers: ClinVar variation 932978 (VCV000932978.3), dbSNP rs1891196616, ClinGen allele CA1139663636.
Genomic context (GRCh38, chr14:95,104,114, plus strand): 5'-AGAGGAGTTAGAAATTGAGATGAAAGATTTGCTGTCAATAGATTTTTTCCACCCGAAGTC[TA>T]AGTTAGGGTATCTGCAAAGACATTTTTATAACTTTACATCAGATTCTTCAAAACAGCTAG-3'